The following is an entry in ClinVar:

ClinVar aggregate classification (germline): Uncertain significance (1 of 4 stars; one submission).

Submission:

GeneDx
Classification: Uncertain significance. Last evaluated: 2026-03-18. Review status: criteria provided, single submitter. Criteria: GeneDx Variant Classification Process June 2021. Collection method: clinical testing. Allele origin: germline.
Comment: Not observed at significant frequency in large population cohorts (gnomAD); Missense variants in this gene are a common cause of disease and they are underrepresented in the general population; In silico analysis suggests that this missense variant does not alter protein structure/function; Has not been previously published as pathogenic or benign to our knowledge; This variant is associated with the following publications: (PMID: 20829227)

NM_006086.4(TUBB3):c.371G>T (p.Cys124Phe)

Gene: TUBB3 (tubulin beta 3 class III; plus strand). Cytogenetic location: 16q24.3.
Variant type: single nucleotide variant.
Coding change: c.371G>T on transcript NM_006086.4 (MANE Select); coding-DNA position 371, G replaced by T.
Protein change: p.Cys124Phe; replaces cysteine 124 with phenylalanine.
Molecular consequence: missense variant.
Genome position (GRCh38, 1-based): chr16:89,934,822, G>T. VCF-style: chr16-89934822-G-T. GRCh37 (hg19) VCF-style: chr16-90001230-G-T.
Other names: c.155G>T, p.Cys52Phe (NM_001197181.2); short protein forms C52F, C124F.
Identifiers: ClinVar variation 5009285 (VCV005009285.1).